The following is an entry in ClinVar:

NM_001123385.2(BCOR):c.4943C>T (p.Pro1648Leu)

Gene: BCOR (BCL6 corepressor; minus strand). Cytogenetic location: Xp11.4.
Variant type: single nucleotide variant.
Coding change: c.4943C>T on transcript NM_001123385.2 (MANE Select); coding-DNA position 4943, C replaced by T.
Protein change: p.Pro1648Leu; replaces proline 1648 with leucine.
Molecular consequence: missense variant.
Genome position (GRCh38, 1-based): chrX:40,053,919, G>A on the plus strand (C>T on the coding strand, the complement: BCOR is on the minus strand). VCF-style: chrX-40053919-G-A. GRCh37 (hg19) VCF-style: chrX-39913172-G-A.
Other names: c.4841C>T, p.Pro1614Leu (NM_001123383.2, NM_017745.6); c.4787C>T, p.Pro1596Leu (NM_001123384.2); short protein forms P1596L, P1614L, P1648L.
Identifiers: ClinVar variation 2074957 (VCV002074957.6), dbSNP rs763651353, ClinGen allele CA10386345.
Genomic context (GRCh38, chrX:40,053,919, plus strand): 5'-TTTCAATCACATGACAGCCATGCTCACCCCTGAGCCACAGATACTTGGATGTTATAACAC[G>A]GTAAGAGGGGGGTCTCTGAAAATTCAAATTCAAACACATCGCTATAGGCATCGTCATCAT-3'
Protein context (NP_001116857.1, residues 1638-1658): EFEFSETPLL[Pro1648Leu]CYNIQVSVAQ

ClinVar aggregate classification (germline): Conflicting classifications of pathogenicity. Review status: criteria provided, conflicting classifications (1 of 4 stars). 2 submissions from 2 submitters: Uncertain significance (1); Likely benign (1). Last evaluated 2023-09-24.

Conditions:
Inborn genetic diseases. Identifiers: MedGen C0950123, MeSH D030342.
Oculofaciocardiodental syndrome (MCOPS2). Identifiers: Orphanet 2712, MedGen C1846265, MONDO:0010261, OMIM 300166.

Allele frequency attached by ClinVar (database versions not stated): gnomAD exomes 0.00001; TOPMed 0.00002; ExAC 0.00003; gnomAD 0.00003.
gnomAD v4.1: 12 of 1,209,023 alleles (0.00099%); highest among the groups gnomAD compares: South Asian, 0.0053%; no homozygotes.

Submissions (2):

Labcorp Genetics (formerly Invitae), Labcorp
Classification: Uncertain significance for Oculofaciocardiodental syndrome. Last evaluated: 2023-09-24. Review status: criteria provided, single submitter. Criteria: Invitae Variant Classification Sherloc (09022015). Collection method: clinical testing. Allele origin: germline.
Comment: ClinVar contains an entry for this variant (Variation ID: 2074957). This sequence change replaces proline, which is neutral and non-polar, with leucine, which is neutral and non-polar, at codon 1614 of the BCOR protein (p.Pro1614Leu). This variant is present in population databases (rs763651353, gnomAD 0.02%). This variant has not been reported in the literature in individuals affected with BCOR-related conditions. Advanced modeling of protein sequence and biophysical properties (such as structural, functional, and spatial information, amino acid conservation, physicochemical variation, residue mobility, and thermodynamic stability) performed at Invitae indicates that this missense variant is not expected to disrupt BCOR protein function. In summary, the available evidence is currently insufficient to determine the role of this variant in disease. Therefore, it has been classified as a Variant of Uncertain Significance.

Ambry Genetics
Classification: Likely benign for Inborn genetic diseases. Last evaluated: 2023-03-14. Review status: criteria provided, single submitter. Criteria: Ambry Variant Classification Scheme 2023. Collection method: clinical testing. Allele origin: germline.